The following is an entry in ClinVar:

ClinVar aggregate classification (germline): Benign (1 of 4 stars; one submission).

Conditions:
Leigh syndrome (NULS). Also called: Leigh's necrotizing encephalopathy; Leigh's disease; Leigh Syndrome (mtDNA deletion); Leigh Disease; Subacute necrotizing encephalopathy; Necrotizing encephalopathy infantile subacute of Leigh. Identifiers: Orphanet 506, MedGen C2931891, MONDO:0009723, OMIM 256000.

Submission:

Wong Mito Lab, Molecular and Human Genetics, Baylor College of Medicine
Classification: Benign for Leigh syndrome. Last evaluated: 2019-10-17. Review status: criteria provided, single submitter. Criteria: Modified ACMG Guidelines (Unpublished). Collection method: clinical testing. Allele origin: germline.
Comment: The NC_012920.1:m.5277T>C (YP_003024027.1:p.Phe270Leu) variant in MTND2 gene is interpretated to be a Benign variant based on the modified ACMG guidelines (unpublished). This variant meets the following evidence codes: BS1, BS2, BP4

NC_012920.1(MT-ND2):m.5277T>C

Gene: MT-ND2 (mitochondrially encoded NADH dehydrogenase 2; plus strand).
Variant type: single nucleotide variant.
Genome position: chrM-5277-T-C.
Identifiers: ClinVar variation 692565 (VCV000692565.1), dbSNP rs1556422968, ClinGen allele CA414779627.